The following is an entry in ClinVar:

NM_002755.4(MAP2K1):c.72C>G (p.Ser24Arg)

Gene: MAP2K1 (mitogen-activated protein kinase kinase 1; plus strand). Cytogenetic location: 15q22.31.
Variant type: single nucleotide variant.
Coding change: c.72C>G on transcript NM_002755.4 (MANE Select); coding-DNA position 72, C replaced by G.
Protein change: p.Ser24Arg; replaces serine 24 with arginine.
Molecular consequence: missense variant.
Genome position (GRCh38, 1-based): chr15:66,387,419, C>G. VCF-style: chr15-66387419-C-G. GRCh37 (hg19) VCF-style: chr15-66679757-C-G.
Other names: short protein forms S24R.
Identifiers: ClinVar variation 5023866 (VCV005023866.1).

ClinVar aggregate classification (germline): Uncertain significance (1 of 4 stars; one submission).

Conditions:
Cardiovascular phenotype. Identifiers: MedGen CN230736.

Submission:

Ambry Genetics
Classification: Uncertain significance for Cardiovascular phenotype. Last evaluated: 2026-07-19. Review status: criteria provided, single submitter. Criteria: Ambry Variant Classification Scheme 2023. Collection method: clinical testing. Allele origin: germline.
Comment: The p.S24R variant (also known as c.72C>G), located in coding exon 1 of the MAP2K1 gene, results from a C to G substitution at nucleotide position 72. The serine at codon 24 is replaced by arginine, an amino acid with dissimilar properties. This amino acid position is conserved. In addition, the in silico prediction for this alteration is inconclusive. Based on the available evidence, the clinical significance of this variant remains unclear.